The following is an entry in ClinVar:

NM_203447.4(DOCK8):c.4960A>C (p.Lys1654Gln)

Gene: DOCK8 (dedicator of cytokinesis 8; plus strand). Cytogenetic location: 9p24.3.
Variant type: single nucleotide variant.
Coding change: c.4960A>C on transcript NM_203447.4 (MANE Select); coding-DNA position 4960, A replaced by C.
Protein change: p.Lys1654Gln; replaces lysine 1654 with glutamine.
Molecular consequence: missense variant.
Genome position (GRCh38, 1-based): chr9:434,856, A>C. VCF-style: chr9-434856-A-C. GRCh37 (hg19) VCF-style: chr9-434856-A-C.
Other names: c.4660A>C, p.Lys1554Gln (NM_001190458.2); c.4756A>C, p.Lys1586Gln (NM_001193536.2); short protein forms K1554Q, K1586Q, K1654Q.
Identifiers: ClinVar variation 1040517 (VCV001040517.13), dbSNP rs546957632, ClinGen allele CA4959261.

ClinVar aggregate classification (germline): Uncertain significance (1 of 4 stars; one submission).

Conditions:
Combined immunodeficiency due to DOCK8 deficiency (HIES2). Also called: HIES autosomal recessive; HYPER-IgE RECURRENT INFECTION SYNDROME 2, AUTOSOMAL RECESSIVE; HYPER-IgE SYNDROME 2, AUTOSOMAL RECESSIVE, WITH RECURRENT INFECTIONS; DOCK8 Deficiency; Hyper-IgE recurrent infection syndrome, autosomal recessive. Identifiers: Orphanet 217390, MedGen C4722305, MONDO:0009478, OMIM 243700.

Allele frequency attached by ClinVar (database versions not stated): gnomAD exomes below 0.00001; ExAC 0.00001; gnomAD 0.00001; 1000 Genomes Project 30x 0.00016; 1000 Genomes Project 0.00020.
gnomAD v4.1: 1 of 1,614,100 alleles (0.000062%); highest among the groups gnomAD compares: Admixed American, 0.0017%; no homozygotes.

Submission:

Labcorp Genetics (formerly Invitae), Labcorp
Classification: Uncertain significance for Combined immunodeficiency due to DOCK8 deficiency. Last evaluated: 2024-10-16. Review status: criteria provided, single submitter. Criteria: Invitae Variant Classification Sherloc (09022015). Collection method: clinical testing. Allele origin: germline.
Comment: This sequence change replaces lysine, which is basic and polar, with glutamine, which is neutral and polar, at codon 1654 of the DOCK8 protein (p.Lys1654Gln). This variant is not present in population databases (gnomAD no frequency). This variant has not been reported in the literature in individuals affected with DOCK8-related conditions. ClinVar contains an entry for this variant (Variation ID: 1040517). Invitae Evidence Modeling of protein sequence and biophysical properties (such as structural, functional, and spatial information, amino acid conservation, physicochemical variation, residue mobility, and thermodynamic stability) indicates that this missense variant is not expected to disrupt DOCK8 protein function with a negative predictive value of 80%. In summary, the available evidence is currently insufficient to determine the role of this variant in disease. Therefore, it has been classified as a Variant of Uncertain Significance.